The following is an entry in ClinVar:

NM_001048174.2(MUTYH):c.149A>G (p.Gln50Arg)

Gene: MUTYH (mutY DNA glycosylase; minus strand). Cytogenetic location: 1p34.1.
Variant type: single nucleotide variant.
Coding change: c.149A>G on transcript NM_001048174.2 (MANE Select); coding-DNA position 149, A replaced by G.
Protein change: p.Gln50Arg; replaces glutamine 50 with arginine.
Molecular consequence: missense variant. On other transcripts: 5 prime UTR variant (1), non-coding transcript variant (5), intron variant (5).
Genome position (GRCh38, 1-based): chr1:45,333,528, T>C on the plus strand (A>G on the coding strand, the complement: MUTYH is on the minus strand). VCF-style: chr1-45333528-T-C. GRCh37 (hg19) VCF-style: chr1-45799200-T-C.
Other names: c.149A>G, p.Gln50Arg (NM_001048171.2, NM_001048173.2, NM_001293195.2 and 6 more transcripts); c.152A>G, p.Gln51Arg (NM_001048172.2, NM_001407071.1, NM_001407078.1 and 2 more transcripts); c.233A>G, p.Gln78Arg (NM_001128425.2); c.194A>G, p.Gln65Arg (NM_001293190.2); c.182A>G, p.Gln61Arg (NM_001293191.2, NM_001407077.1); c.-123A>G (NM_001350650.2); c.224A>G, p.Gln75Arg (NM_001407069.1, NM_012222.3); c.191A>G, p.Gln64Arg (NM_001407073.1, NM_001407083.1, NM_001407085.1); and 4 more; short protein forms Q57R, Q78R, Q22R, Q61R, Q65R, Q50R, Q64R, Q51R.
Identifiers: ClinVar variation 4112818 (VCV004112818.1).

ClinVar aggregate classification (germline): Uncertain significance (1 of 4 stars; one submission).

Conditions:
Hereditary cancer-predisposing syndrome. Also called: Tumor predisposition; Neoplastic Syndromes, Hereditary; Hereditary neoplastic syndrome; Hereditary Cancer Syndrome. Identifiers: Orphanet 140162, MedGen C0027672, MeSH D009386, MONDO:0015356.

Submission:

Ambry Genetics
Classification: Uncertain significance for Hereditary cancer-predisposing syndrome. Last evaluated: 2025-08-27. Review status: criteria provided, single submitter. Criteria: Ambry Variant Classification Scheme 2023. Collection method: clinical testing. Allele origin: germline.
Comment: The p.Q78R variant (also known as c.233A>G), located in coding exon 3 of the MUTYH gene, results from an A to G substitution at nucleotide position 233. The glutamine at codon 78 is replaced by arginine, an amino acid with highly similar properties. This amino acid position is conserved. In addition, this alteration is predicted to be tolerated by in silico analysis. Based on the available evidence, the clinical significance of this variant remains unclear.